The following is an entry in ClinVar:

NM_000199.5(SGSH):c.481A>T (p.Lys161Ter)

Gene: SGSH (N-sulfoglucosamine sulfohydrolase; minus strand). Cytogenetic location: 17q25.3.
Variant type: single nucleotide variant.
Coding change: c.481A>T on transcript NM_000199.5 (MANE Select); coding-DNA position 481, A replaced by T.
Protein change: p.Lys161Ter; replaces lysine 161 with a stop codon.
Molecular consequence: nonsense. On other transcripts: non-coding transcript variant (1).
Genome position (GRCh38, 1-based): chr17:80,214,640, T>A on the plus strand (A>T on the coding strand, the complement: SGSH is on the minus strand). VCF-style: chr17-80214640-T-A. GRCh37 (hg19) VCF-style: chr17-78188439-T-A.
Other names: c.481A>T, p.Lys161Ter (NM_001352921.3, NM_001352922.2); short protein forms K161*.
Identifiers: ClinVar variation 1953824 (VCV001953824.5), dbSNP rs2510893618, ClinGen allele CA401362555.

ClinVar aggregate classification (germline): Pathogenic (1 of 4 stars; one submission).

Conditions:
Mucopolysaccharidosis, MPS-III-A (MPS3A). Also called: HEPARAN SULFATE SULFATASE DEFICIENCY; SANFILIPPO SYNDROME A; SULFAMIDASE DEFICIENCY; MPS III A; Mucopolysaccharidosis type IIIA (Sanfilippo A); Mucopolysaccharidosis, type IIIA. Identifiers: Orphanet 581, Orphanet 79269, MedGen C0086647, MONDO:0009655, OMIM 252900.

Submission:

Labcorp Genetics (formerly Invitae), Labcorp
Classification: Pathogenic for Mucopolysaccharidosis, MPS-III-A. Last evaluated: 2022-07-08. Review status: criteria provided, single submitter. Criteria: Invitae Variant Classification Sherloc (09022015). Collection method: clinical testing. Allele origin: germline.
Comment: This sequence change creates a premature translational stop signal (p.Lys161*) in the SGSH gene. It is expected to result in an absent or disrupted protein product. Loss-of-function variants in SGSH are known to be pathogenic (PMID: 11182930, 21204211, 22976768). This variant is not present in population databases (gnomAD no frequency). This variant has not been reported in the literature in individuals affected with SGSH-related conditions. Algorithms developed to predict the effect of sequence changes on RNA splicing suggest that this variant may create or strengthen a splice site. For these reasons, this variant has been classified as Pathogenic.

Literature cited by the submitters: PubMed 11182930; PubMed 21204211; PubMed 22976768.